The following is an entry in ClinVar:

NM_001083961.2(WDR62):c.2739+16G>A

Gene: WDR62 (WD repeat domain 62; plus strand). Cytogenetic location: 19q13.12.
Variant type: single nucleotide variant.
Coding change: c.2739+16G>A on transcript NM_001083961.2 (MANE Select); 16 bases into the intron after coding-DNA position 2739, G replaced by A.
Molecular consequence: intron variant.
Genome position (GRCh38, 1-based): chr19:36,099,633, G>A. VCF-style: chr19-36099633-G-A. GRCh37 (hg19) VCF-style: chr19-36590535-G-A.
Other names: c.2739+16G>A (NM_173636.5).
Identifiers: ClinVar variation 385268 (VCV000385268.6), dbSNP rs550334968, ClinGen allele CA9396017.

ClinVar aggregate classification (germline): Likely benign. Review status: criteria provided, multiple submitters, no conflicts (2 of 4 stars). 2 submissions from 2 submitters: Likely benign (2). Last evaluated 2024-10-02.

Allele frequency attached by ClinVar (database versions not stated): gnomAD 0.00006 and 0.00007; TOPMed 0.00008; ExAC 0.00012; 1000 Genomes Project 30x 0.00016; 1000 Genomes Project 0.00020.
gnomAD v4.1: 129 of 1,613,018 alleles (0.008%); highest among the groups gnomAD compares: Non-Finnish European, 0.01%; no homozygotes.

Submissions (2):

Labcorp Genetics (formerly Invitae), Labcorp
Classification: Likely benign. Last evaluated: 2024-10-02. Review status: criteria provided, single submitter. Criteria: Invitae Variant Classification Sherloc (09022015). Collection method: clinical testing. Allele origin: germline.

GeneDx
Classification: Likely benign. Last evaluated: 2016-04-11. Review status: criteria provided, single submitter. Criteria: GeneDx Variant Classification (06012015). Collection method: clinical testing. Allele origin: germline. Affected: yes.
Comment: This variant is considered likely benign or benign based on one or more of the following criteria: it is a conservative change, it occurs at a poorly conserved position in the protein, it is predicted to be benign by multiple in silico algorithms, and/or has population frequency not consistent with disease.